The following is an entry in ClinVar:

ClinVar aggregate classification (germline): Uncertain significance (1 of 4 stars; one submission).

Conditions:
Inborn genetic diseases. Identifiers: MedGen C0950123, MeSH D030342.

Submission:

Ambry Genetics
Classification: Uncertain significance for Inborn genetic diseases. Last evaluated: 2025-12-22. Review status: criteria provided, single submitter. Criteria: Ambry Variant Classification Scheme 2023. Collection method: clinical testing. Allele origin: germline.
Comment: The p.L139R variant (also known as c.416T>G), located in coding exon 3 of the BMPR2 gene, results from a T to G substitution at nucleotide position 416. The leucine at codon 139 is replaced by arginine, an amino acid with dissimilar properties. This amino acid position is conserved. In addition, the in silico prediction for this alteration is inconclusive. Based on the available evidence, the clinical significance of this variant remains unclear.

NM_001204.7(BMPR2):c.416T>G (p.Leu139Arg)

Gene: BMPR2 (bone morphogenetic protein receptor type 2; plus strand). Cytogenetic location: 2q33.1.
Variant type: single nucleotide variant.
Coding change: c.416T>G on transcript NM_001204.7 (MANE Select); coding-DNA position 416, T replaced by G.
Protein change: p.Leu139Arg; replaces leucine 139 with arginine.
Molecular consequence: missense variant.
Genome position (GRCh38, 1-based): chr2:202,467,687, T>G. VCF-style: chr2-202467687-T-G. GRCh37 (hg19) VCF-style: chr2-203332410-T-G.
Other names: short protein forms L139R.
Identifiers: ClinVar variation 4843362 (VCV004843362.1).